The following is an entry in ClinVar:

ClinVar aggregate classification (germline): Uncertain significance (1 of 4 stars; one submission).

Submission:

GeneDx
Classification: Uncertain significance. Last evaluated: 2025-03-27. Review status: criteria provided, single submitter. Criteria: GeneDx Variant Classification Process June 2021. Collection method: clinical testing. Allele origin: germline. Affected: yes.
Comment: Not observed at significant frequency in large population cohorts (gnomAD); In silico analysis indicates that this missense variant does not alter protein structure/function; Has not been previously published as pathogenic or benign to our knowledge

NM_152424.4(AMER1):c.3182C>T (p.Ser1061Phe)

Gene: AMER1 (APC membrane recruitment protein 1; minus strand). Cytogenetic location: Xq11.2.
Variant type: single nucleotide variant.
Coding change: c.3182C>T on transcript NM_152424.4 (MANE Select); coding-DNA position 3182, C replaced by T.
Protein change: p.Ser1061Phe; replaces serine 1061 with phenylalanine.
Molecular consequence: missense variant.
Genome position (GRCh38, 1-based): chrX:64,190,105, G>A on the plus strand (C>T on the coding strand, the complement: AMER1 is on the minus strand). VCF-style: chrX-64190105-G-A. GRCh37 (hg19) VCF-style: chrX-63409985-G-A.
Other names: short protein forms S1061F.
Identifiers: ClinVar variation 4088146 (VCV004088146.1).
Genomic context (GRCh38, chrX:64,190,105, plus strand): 5'-GTGATGCCCACAGGCTTGGCCTGTGGTAGAGGGCTGGGGCTGAAGCCTCCAGAACTGGAA[G>A]AGCAACTGGGCTCATCAACAGGCAGCAGCACATCTCGAGGCCTGGCCCTCATGCTCTGGG-3'
Protein context (NP_689637.3, residues 1051-1071): VLLPVDEPSC[Ser1061Phe]SSSGGFSPSP